The following is an entry in ClinVar:

ClinVar aggregate classification (germline): Pathogenic (1 of 4 stars; one submission).

Submission:

GeneDx
Classification: Pathogenic. Last evaluated: 2017-06-01. Review status: criteria provided, single submitter. Criteria: GeneDx Variant Classification (06012015). Collection method: clinical testing. Allele origin: germline. Affected: yes.
Comment: The c.3989delC pathogenic variant in the CHD2 gene causes a frameshift starting with codon Alanine 1330, changes this amino acid to a Valine residue and creates a premature Stop codon at position 2 of the new reading frame, denoted p.Ala1330ValfsX2. This pathogenic variant is predicted to cause loss of normal protein function either through protein truncation or nonsense-mediated mRNA decay. The c.3989delC variant is not observed in large population cohorts (Lek et al., 2016; 1000 Genomes Consortium et al., 2015; Exome Variant Server).

NM_001271.4(CHD2):c.3989del (p.Ala1330fs)

Gene: CHD2 (chromodomain helicase DNA binding protein 2; plus strand). Cytogenetic location: 15q26.1.
Variant type: Deletion.
Coding change: c.3989del on transcript NM_001271.4 (MANE Select); coding-DNA position 3989, one base deleted (C; older notation c.3989delC).
Protein change: p.Ala1330fs; shifts the reading frame from alanine 1330.
Molecular consequence: frameshift variant.
Genome position (GRCh38, 1-based): chr15:92,998,602, C deleted. VCF-style (leftmost placement, unchanged base first): chr15-92998601-GC-G. GRCh37 (hg19) VCF-style: chr15-93541831-GC-G.
Other names: short protein forms A1330fs.
Identifiers: ClinVar variation 430540 (VCV000430540.2), dbSNP rs1131692014, ClinGen allele CA645369637.
Genomic context (GRCh38, chr15:92,998,601, plus strand): 5'-CTACAGACCCGAGCGGATTACTTGTTGAAGCTGCTCAGAAAGGGTCTGGAGAAGAAGGGG[GC>G]TGTGACAGGTGGGGAAGAGGTGAGTACGCTGCCAGCTGGTTGTTTTTCAGGGGCCTGAGG-3'